The following is an entry in ClinVar:

ClinVar aggregate classification (germline): Uncertain significance. Review status: criteria provided, multiple submitters, no conflicts (2 of 4 stars). 4 submissions from 4 submitters: Uncertain significance (4). Last evaluated 2025-09-04.

Conditions:
Inborn genetic diseases. Identifiers: MedGen C0950123, MeSH D030342.
LRP5-related disorder. Also called: LRP5-related condition.

Allele frequency attached by ClinVar (database versions not stated): gnomAD exomes below 0.00001 and 0.00002; ExAC 0.00001; gnomAD 0.00001; TOPMed 0.00001.
gnomAD v4.1: 30 of 1,613,324 alleles (0.0019%); highest among the groups gnomAD compares: Non-Finnish European, 0.0025%; no homozygotes.

Submissions (4):

Labcorp Genetics (formerly Invitae), Labcorp
Classification: Uncertain significance. Last evaluated: 2025-09-04. Review status: criteria provided, single submitter. Criteria: Invitae Variant Classification Sherloc (09022015). Collection method: clinical testing. Allele origin: germline.
Comment: This sequence change replaces threonine, which is neutral and polar, with serine, which is neutral and polar, at codon 1183 of the LRP5 protein (p.Thr1183Ser). This variant is present in population databases (rs748687344, gnomAD 0.002%). This variant has not been reported in the literature in individuals affected with LRP5-related conditions. ClinVar contains an entry for this variant (Variation ID: 1370197). Invitae Evidence Modeling of protein sequence and biophysical properties (such as structural, functional, and spatial information, amino acid conservation, physicochemical variation, residue mobility, and thermodynamic stability) indicates that this missense variant is not expected to disrupt LRP5 protein function with a negative predictive value of 95%. In summary, the available evidence is currently insufficient to determine the role of this variant in disease. Therefore, it has been classified as a Variant of Uncertain Significance.

PreventionGenetics, part of Exact Sciences
Classification: Uncertain significance for LRP5-related condition. Last evaluated: 2025-07-10. Review status: criteria provided, single submitter. Criteria: ACMG Guidelines, 2015. Collection method: clinical testing. Allele origin: germline.
Comment: The LRP5 c.3547A>T variant is predicted to result in the amino acid substitution p.Thr1183Ser. To our knowledge, this variant has not been reported in the literature. This variant is reported in 0.0015% of alleles in individuals of European (Non-Finnish) descent in gnomAD. At this time, the clinical significance of this variant is uncertain due to the absence of conclusive functional and genetic evidence.

Ambry Genetics
Classification: Uncertain significance for Inborn genetic diseases. Last evaluated: 2025-01-01. Review status: criteria provided, single submitter. Criteria: Ambry Variant Classification Scheme 2023. Collection method: clinical testing. Allele origin: germline.

Blueprint Genetics
Classification: Uncertain significance. Last evaluated: 2024-07-11. Review status: criteria provided, single submitter. Criteria: ACMG Guidelines, 2015. Collection method: clinical testing. Allele origin: germline.

NM_002335.4(LRP5):c.3547A>T (p.Thr1183Ser)

Gene: LRP5 (LDL receptor related protein 5; plus strand). Cytogenetic location: 11q13.2.
Variant type: single nucleotide variant.
Coding change: c.3547A>T on transcript NM_002335.4 (MANE Select); coding-DNA position 3547, A replaced by T.
Protein change: p.Thr1183Ser; replaces threonine 1183 with serine.
Molecular consequence: missense variant.
Genome position (GRCh38, 1-based): chr11:68,426,097, A>T. VCF-style: chr11-68426097-A-T. GRCh37 (hg19) VCF-style: chr11-68193565-A-T.
Other names: c.3547A>T (NM_002335.2, NM_002335.3); c.1804A>T, p.Thr602Ser (NM_001291902.2); short protein forms T1183S, T602S.
Identifiers: ClinVar variation 1370197 (VCV001370197.11), dbSNP rs748687344, ClinGen allele CA6150025.